The following is an entry in ClinVar:

NM_001103.4(ACTN2):c.927C>T (p.Pro309=)

Gene: ACTN2 (actinin alpha 2; plus strand). Cytogenetic location: 1q43.
Variant type: single nucleotide variant.
Coding change: c.927C>T on transcript NM_001103.4 (MANE Select); coding-DNA position 927, C replaced by T.
Protein change: p.Pro309=; no amino-acid change (proline 309 retained).
Molecular consequence: synonymous variant.
Genome position (GRCh38, 1-based): chr1:236,739,352, C>T. VCF-style: chr1-236739352-C-T. GRCh37 (hg19) VCF-style: chr1-236902652-C-T.
Other names: c.927C>T, p.Pro309= (NM_001278343.2); c.303C>T, p.Pro101= (NM_001278344.2).
Identifiers: ClinVar variation 43952 (VCV000043952.25), dbSNP rs145411160, ClinGen allele CA133226.

ClinVar aggregate classification (germline): Benign/Likely benign. Review status: criteria provided, multiple submitters, no conflicts (2 of 4 stars). 11 submissions from 11 submitters: Benign (2); Likely benign (7). 2 of the submissions do not count toward it. Last evaluated 2026-01-11.

Conditions:
ACTN2-related disorder. Also called: ACTN2 related condition; ACTN2-related disorders.
Cardiovascular phenotype. Identifiers: MedGen CN230736.
Dilated cardiomyopathy 1AA (CMD1AA). Also called: Cardiomyopathy, dilated, 1AA, with or without LVNC; CARDIOMYOPATHY, DILATED, 1AA, WITH OR WITHOUT LEFT VENTRICULAR NONCOMPACTION; CARDIOMYOPATHY, FAMILIAL HYPERTROPHIC, 23, WITH OR WITHOUT LEFT VENTRICULAR NONCOMPACTION. Identifiers: Orphanet 154, MedGen C2677338, MONDO:0012808, OMIM 612158.
Primary familial hypertrophic cardiomyopathy (HCM). Identifiers: Orphanet 99739, MedGen C0949658, MeSH D024741, MONDO:0024573. Inheritance: Various modes of inheritance.

Allele frequency attached by ClinVar (database versions not stated): ExAC 0.00015; 1000 Genomes Project 0.00020; 1000 Genomes Project 30x 0.00031; ESP Exome Variant Server 0.00054; gnomAD 0.00048 and 0.00051; TOPMed 0.00052.
gnomAD v4.1: 162 of 1,614,066 alleles (0.01%); highest among the groups gnomAD compares: African/African-American, 0.16%; 1 homozygote.

Submissions (11):

Labcorp Genetics (formerly Invitae), Labcorp
Classification: Likely benign for Primary familial hypertrophic cardiomyopathy; Dilated cardiomyopathy 1AA. Last evaluated: 2026-01-11. Review status: criteria provided, single submitter. Criteria: Invitae Variant Classification Sherloc (09022015). Collection method: clinical testing. Allele origin: germline.

PreventionGenetics, part of Exact Sciences
Classification: Likely benign for ACTN2-related condition. Last evaluated: 2025-12-16. Review status: criteria provided, single submitter. Criteria: ACMG Guidelines, 2015. Collection method: clinical testing. Allele origin: germline.
Comment: This variant is classified as likely benign based on ACMG/AMP sequence variant interpretation guidelines (Richards et al. 2015 PMID: 25741868, with internal and published modifications).

Molecular Diagnostic Laboratory for Inherited Cardiovascular Disease, Montreal Heart Institute
Classification: Benign. Last evaluated: 2025-04-09. Review status: criteria provided, single submitter. Criteria: ACMG Guidelines, 2015. Collection method: clinical testing. Allele origin: germline. Affected: no.

Blueprint Genetics
Classification: Likely benign. Last evaluated: 2024-04-03. Review status: criteria provided, single submitter. Criteria: ACMG Guidelines, 2015. Collection method: clinical testing. Allele origin: germline.

ARUP Laboratories, Molecular Genetics and Genomics, ARUP Laboratories
Classification: Likely benign. Last evaluated: 2024-03-01. Review status: criteria provided, single submitter. Criteria: ARUP Molecular Germline Variant Investigation Process 2024. Collection method: clinical testing. Allele origin: germline.

Women's Health and Genetics/Laboratory Corporation of America, LabCorp
Classification: Benign. Last evaluated: 2023-02-05. Review status: criteria provided, single submitter. Criteria: LabCorp Variant Classification Summary - May 2015. Collection method: clinical testing. Allele origin: germline.

GeneDx
Classification: Likely benign. Last evaluated: 2018-01-11. Review status: criteria provided, single submitter. Criteria: GeneDx Variant Classification (06012015). Collection method: clinical testing. Allele origin: germline. Affected: yes.
Comment: This variant is considered likely benign or benign based on one or more of the following criteria: it is a conservative change, it occurs at a poorly conserved position in the protein, it is predicted to be benign by multiple in silico algorithms, and/or has population frequency not consistent with disease.

Ambry Genetics
Classification: Likely benign for Cardiovascular phenotype. Last evaluated: 2016-10-01. Review status: criteria provided, single submitter. Criteria: Ambry Variant Classification Scheme 2023. Collection method: clinical testing. Allele origin: germline.

Laboratory for Molecular Medicine, Mass General Brigham Personalized Medicine
Classification: Likely benign. Last evaluated: 2009-08-05. Review status: criteria provided, single submitter. Criteria: LMM Criteria. Collection method: clinical testing. Allele origin: germline. Observed: 2 variant alleles.

Diagnostic Laboratory, Department of Genetics, University Medical Center Groningen
Classification: Likely benign. Review status: no assertion criteria provided. Collection method: clinical testing. Allele origin: germline. Affected: yes. Study: VKGL Data-share Consensus. Not counted in ClinVar's aggregate classification.

Genome Diagnostics Laboratory, University Medical Center Utrecht
Classification: Likely benign. Review status: no assertion criteria provided. Collection method: clinical testing. Allele origin: germline. Affected: yes. Study: VKGL Data-share Consensus. Not counted in ClinVar's aggregate classification.